The following is an entry in ClinVar:

ClinVar aggregate classification (germline): Pathogenic (1 of 4 stars; one submission).

Conditions:
Adenylosuccinate lyase deficiency (ADSLD). Also called: ADSL DEFICIENCY. Identifiers: Orphanet 46, MedGen C0268126, MONDO:0007068, OMIM 103050.

Submission:

Labcorp Genetics (formerly Invitae), Labcorp
Classification: Pathogenic for Adenylosuccinate lyase deficiency. Last evaluated: 2022-12-02. Review status: criteria provided, single submitter. Criteria: Invitae Variant Classification Sherloc (09022015). Collection method: clinical testing. Allele origin: unknown.
Comment: For these reasons, this variant has been classified as Pathogenic. This variant disrupts a region of the ADSL protein in which other variant(s) (p.Arg141Trp) have been determined to be pathogenic (PMID: 10090474, 10958654). This suggests that this is a clinically significant region of the protein, and that variants that disrupt it are likely to be disease-causing. This variant has not been reported in the literature in individuals affected with ADSL-related conditions. This variant is a gross deletion of the genomic region encompassing exon(s) 3-7 of the ADSL gene. This variant would be expected to be in-frame, preserving the integrity of the reading frame.

Literature cited by the submitters: PubMed 10090474; PubMed 10958654.

NC_000022.10:g.(?_40749057)_(40756516_?)del

Gene: ADSL (adenylosuccinate lyase; plus strand). Cytogenetic location: 22q13.1.
Variant type: Deletion.
Identifiers: ClinVar variation 3247227 (VCV003247227.1).